The following is an entry in ClinVar:

NM_000256.3(MYBPC3):c.1564G>A (p.Ala522Thr)

Gene: MYBPC3 (myosin binding protein C3; minus strand). Cytogenetic location: 11p11.2.
Variant type: single nucleotide variant.
Coding change: c.1564G>A on transcript NM_000256.3 (MANE Select); coding-DNA position 1564, G replaced by A.
Protein change: p.Ala522Thr; replaces alanine 522 with threonine.
Molecular consequence: missense variant.
Genome position (GRCh38, 1-based): chr11:47,342,638, C>T on the plus strand (G>A on the coding strand, the complement: MYBPC3 is on the minus strand). VCF-style: chr11-47342638-C-T. GRCh37 (hg19) VCF-style: chr11-47364189-C-T.
Other names: p.A522T:GCG>ACG; short protein forms A522T.
Identifiers: ClinVar variation 42545 (VCV000042545.58), dbSNP rs11570082, ClinGen allele CA010634.
Genomic context (GRCh38, chr11:47,342,638, plus strand): 5'-CCTGCACAATGAGCTCAGCCAGCGCCTGGCCCCCGCTAGTGCACAGTGCATAGTGCCCCG[C>T]GTCCTCCAGCATGGCCTCGTTGATGATCAGGTGGTGTCTCTGCCCGTCCTTCTTGAACCG-3'
Protein context (NP_000247.2, residues 512-532): LIINEAMLED[Ala522Thr]GHYALCTSGG

ClinVar aggregate classification (germline): Benign/Likely benign. Review status: criteria provided, multiple submitters, no conflicts (2 of 4 stars). 21 submissions from 21 submitters: Benign (3); Likely benign (13). 5 of the submissions do not count toward it. Last evaluated 2026-09-01.

Conditions:
MYBPC3-related disorder. Also called: MYBPC3-related disorders; MYBPC3-related condition; MYBPC3-related disease.
Cardiovascular phenotype. Identifiers: MedGen CN230736.
Cardiomyopathy (CMYO). Also called: Cardiomyopathies. Identifiers: Orphanet 167848, MedGen C0878544, MONDO:0004994, HP:0001638. Inheritance: Various modes of inheritance.
Hypertrophic cardiomyopathy 4. Also called: Familial hypertrophic cardiomyopathy 4. Identifiers: MedGen C1861862, MONDO:0007268, OMIM 115197.
Primary familial hypertrophic cardiomyopathy (HCM). Identifiers: Orphanet 99739, MedGen C0949658, MeSH D024741, MONDO:0024573. Inheritance: Various modes of inheritance.
Hypertrophic cardiomyopathy. Also called: HYPERTROPHIC MYOCARDIOPATHY. Identifiers: Orphanet 217569, MedGen C0007194, MeSH D002312, MONDO:0005045, HP:0001639.

Allele frequency attached by ClinVar (database versions not stated): ExAC 0.00039; gnomAD exomes 0.00043 and 0.00027; ESP Exome Variant Server 0.00171; 1000 Genomes Project 30x 0.00172; gnomAD 0.00120 and 0.00111; TOPMed 0.00142; 1000 Genomes Project 0.00180.
gnomAD v4.1: 594 of 1,613,972 alleles (0.037%); highest among the groups gnomAD compares: African/African-American, 0.36%; 2 homozygotes.

Submissions (21):

CeGaT Center for Human Genetics Tuebingen
Classification: Likely benign. Last evaluated: 2026-09-01. Review status: criteria provided, single submitter. Criteria: CeGaT Center For Human Genetics Tuebingen Variant Classification Criteria Version 2. Collection method: clinical testing. Allele origin: germline. Affected: yes. Observed: 5 variant alleles.
Comment: MYBPC3: BP4, BS2

Labcorp Genetics (formerly Invitae), Labcorp
Classification: Benign for Hypertrophic cardiomyopathy. Last evaluated: 2026-02-03. Review status: criteria provided, single submitter. Criteria: Invitae Variant Classification Sherloc (09022015). Collection method: clinical testing. Allele origin: germline.

Mayo Clinic Laboratories, Mayo Clinic
Classification: Likely benign. Last evaluated: 2025-07-16. Review status: criteria provided, single submitter. Criteria: ACMG Guidelines, 2015. Collection method: clinical testing. Allele origin: germline. Observed: 2 variant alleles.

Blueprint Genetics
Classification: Likely benign. Last evaluated: 2024-11-07. Review status: criteria provided, single submitter. Criteria: ACMG Guidelines, 2015. Collection method: clinical testing. Allele origin: germline.

All of Us Research Program, National Institutes of Health
Classification: Likely benign for Hypertrophic cardiomyopathy. Last evaluated: 2024-09-27. Review status: criteria provided, single submitter. Criteria: ACMG Guidelines, 2015. Collection method: clinical testing. Allele origin: germline. Inheritance: Autosomal dominant inheritance. Observed: 145 variant alleles, 145 heterozygotes.
Comment: This study involves interpretation of variants in research participants for the purpose of population health screening. Participant phenotype was not available at the time of variant classification. Additional details can be found in publication PMID: 35346344, PMCID: PMC8962531

CHEO Genetics Diagnostic Laboratory, Children's Hospital of Eastern Ontario
Classification: Benign for Cardiomyopathy. Last evaluated: 2023-06-02. Review status: criteria provided, single submitter. Criteria: ACMG Guidelines, 2015. Collection method: clinical testing. Allele origin: germline. Study: Canadian Open Genetics Repository.

ARUP Laboratories, Molecular Genetics and Genomics, ARUP Laboratories
Classification: Likely benign. Last evaluated: 2021-07-21. Review status: criteria provided, single submitter. Criteria: ARUP Molecular Germline Variant Investigation Process 2021. Collection method: clinical testing. Allele origin: germline.

Women's Health and Genetics/Laboratory Corporation of America, LabCorp
Classification: Benign. Last evaluated: 2020-10-26. Review status: criteria provided, single submitter. Criteria: LabCorp Variant Classification Summary - May 2015. Collection method: clinical testing. Allele origin: germline.
Comment: Variant summary: MYBPC3 c.1564G>A (p.Ala522Thr) results in a non-conservative amino acid change in the encoded protein sequence. Three of four in-silico tools predict a benign effect of the variant on protein function. The variant allele was found at a frequency of 0.00044 in 250244 control chromosomes, predominantly at a frequency of 0.0039 within the African or African-American subpopulation in the gnomAD database. The observed variant frequency within African or African-American control individuals in the gnomAD database is approximately 4 fold of the estimated maximal expected allele frequency for a pathogenic variant in MYBPC3 causing Cardiomyopathy phenotype (0.001), strongly suggesting that the variant is a benign polymorphism found primarily in populations of African or African-American origin. c.1564G>A has been reported in the literature in individuals affected with Cardiomyopathy. These reports do not provide unequivocal conclusions about association of the variant with Cardiomyopathy. To our knowledge, no experimental evidence demonstrating an impact on protein function has been reported. Seven clinical diagnostic laboratories have submitted clinical-significance assessments for this variant to ClinVar after 2014 without evidence for independent evaluation. All laboratories classified the variant as benign/likely benign. Based on the evidence outlined above, the variant was classified as benign.

Mendelics
Classification: Likely benign for Hypertrophic cardiomyopathy 4. Last evaluated: 2019-05-28. Review status: criteria provided, single submitter. Criteria: Mendelics Assertion Criteria 2017. Collection method: clinical testing. Allele origin: unknown.

Ambry Genetics
Classification: Likely benign for Cardiovascular phenotype. Last evaluated: 2019-02-04. Review status: criteria provided, single submitter. Criteria: Ambry Variant Classification Scheme 2023. Collection method: clinical testing. Allele origin: germline.

Color Diagnostics, LLC DBA Color Health
Classification: Likely benign for Cardiomyopathy. Last evaluated: 2018-03-06. Review status: criteria provided, single submitter. Criteria: ACMG Guidelines, 2015. Collection method: clinical testing. Allele origin: germline.

GeneDx
Classification: Likely benign. Last evaluated: 2018-01-17. Review status: criteria provided, single submitter. Criteria: GeneDx Variant Classification (06012015). Collection method: clinical testing. Allele origin: germline. Affected: yes.
Comment: This variant is considered likely benign or benign based on one or more of the following criteria: it is a conservative change, it occurs at a poorly conserved position in the protein, it is predicted to be benign by multiple in silico algorithms, and/or has population frequency not consistent with disease.

Molecular Diagnostic Laboratory for Inherited Cardiovascular Disease, Montreal Heart Institute
Classification: Likely benign. Last evaluated: 2017-05-18. Review status: criteria provided, single submitter. Criteria: ACMG Guidelines, 2015. Collection method: clinical testing. Allele origin: germline. Affected: yes.

Genome Diagnostics Laboratory, University Medical Center Utrecht
Classification: Likely benign for Hypertrophic cardiomyopathy 4. Last evaluated: 2014-10-09. Review status: criteria provided, single submitter. Criteria: ACGS Guidelines, 2013. Collection method: clinical testing. Allele origin: germline. Affected: yes. Study: VKGL Data-share Consensus.

Biesecker Lab/Clinical Genomics Section, National Institutes of Health
Classification: Likely benign for Cardiomyopathy, hypertrophic. Last evaluated: 2013-06-24. Review status: criteria provided, single submitter. Criteria: Ng et al. (Circ Cardiovasc Genet. 2013). Collection method: research. Allele origin: unknown. Observed: 1 variant allele. Study: ClinSeq.
Comment: The study set was not selected for affection status in relation to any cancer. Pathogenicity categories were based on literature curation. See Pubmed ID:23861362 for details.

Medical sequencing

Laboratory for Molecular Medicine, Mass General Brigham Personalized Medicine
Classification: Likely benign. Last evaluated: 2012-05-22. Review status: criteria provided, single submitter. Criteria: LMM Criteria. Collection method: clinical testing. Allele origin: germline. Observed: 4 variant alleles.
Comment: p.Ala522Thr in exon 17 of MYBPC3: This variant is not expected to have clinical significance, despite being reported in 2 individuals with HCM (Cardim 2005, Oli votto 2008), because it has been identified in 0.3% (31/9788) of African chromos omes by the Exome Aggregation Consortium (ExAC; dbSNP rs11570082).

PreventionGenetics, part of Exact Sciences
Classification: Likely benign for MYBPC3-related condition. Last evaluated: 2019-11-15. Review status: no assertion criteria provided. Collection method: clinical testing. Allele origin: germline. Not counted in ClinVar's aggregate classification.
Comment: This variant is classified as likely benign based on ACMG/AMP sequence variant interpretation guidelines (Richards et al. 2015 PMID: 25741868, with internal and published modifications).

CSER _CC_NCGL, University of Washington
Classification: Likely benign for Cardiomyopathy, hypertrophic. Last evaluated: 2014-06-01. Review status: no assertion criteria provided. Collection method: research. Allele origin: germline. Inheritance: Autosomal dominant inheritance. Study: ESP 6500 variant annotation. Not counted in ClinVar's aggregate classification.
Comment: Variants classified for the Actionable exomic incidental findings in 6503 participants: challenges of variant classification manuscript

Clinical Genetics DNA and cytogenetics Diagnostics Lab, Erasmus MC, Erasmus Medical Center
Classification: Likely benign. Review status: no assertion criteria provided. Collection method: clinical testing. Allele origin: germline. Affected: yes. Study: VKGL Data-share Consensus. Not counted in ClinVar's aggregate classification.

Clinical Genetics, Academic Medical Center
Classification: Benign. Review status: no assertion criteria provided. Collection method: clinical testing. Allele origin: germline. Affected: yes. Study: VKGL Data-share Consensus. Not counted in ClinVar's aggregate classification.

Joint Genome Diagnostic Labs from Nijmegen and Maastricht, Radboudumc and MUMC+
Classification: Benign. Review status: no assertion criteria provided. Collection method: clinical testing. Allele origin: germline. Affected: yes. Study: VKGL Data-share Consensus. Not counted in ClinVar's aggregate classification.

Literature cited by the submitters: PubMed 16566405 (cited by Women's Health and Genetics/Laboratory Corporation of America, LabCorp and Laboratory for Molecular Medicine, Mass General Brigham Personalized Medicine); PubMed 18533079 (cited by Women's Health and Genetics/Laboratory Corporation of America, LabCorp and Laboratory for Molecular Medicine, Mass General Brigham Personalized Medicine); PubMed 21310275 (cited by Women's Health and Genetics/Laboratory Corporation of America, LabCorp and Laboratory for Molecular Medicine, Mass General Brigham Personalized Medicine); PubMed 23299917 (cited by Women's Health and Genetics/Laboratory Corporation of America, LabCorp); PubMed 22763267 (cited by Women's Health and Genetics/Laboratory Corporation of America, LabCorp); PubMed 21302287 (cited by Women's Health and Genetics/Laboratory Corporation of America, LabCorp); PubMed 24055113 (cited by Women's Health and Genetics/Laboratory Corporation of America, LabCorp); PubMed 24510615 (cited by Women's Health and Genetics/Laboratory Corporation of America, LabCorp); PubMed 22177269 (cited by Women's Health and Genetics/Laboratory Corporation of America, LabCorp); PubMed 25637381 (cited by Women's Health and Genetics/Laboratory Corporation of America, LabCorp); PubMed 25214167 (cited by Women's Health and Genetics/Laboratory Corporation of America, LabCorp); PubMed 30297972 (cited by Women's Health and Genetics/Laboratory Corporation of America, LabCorp).